The following is an entry in ClinVar:

NM_015474.4(SAMHD1):c.723del (p.Phe241fs)

Gene: SAMHD1 (SAM and HD domain containing deoxynucleoside triphosphate triphosphohydrolase 1; minus strand). Cytogenetic location: 20q11.23.
Variant type: Deletion.
Coding change: c.723del on transcript NM_015474.4 (MANE Select); coding-DNA position 723, one base deleted (T; older notation c.723delT).
Protein change: p.Phe241fs; shifts the reading frame from phenylalanine 241.
Molecular consequence: frameshift variant.
Genome position (GRCh38, 1-based): chr20:36,919,493, A deleted on the plus strand (T on the coding strand, the reverse complement: SAMHD1 is on the minus strand); the first of 3 consecutive A bases (chr20:36,919,493-36,919,495); deleting any one gives the same sequence. VCF-style (leftmost placement, unchanged base first): chr20-36919492-CA-C. GRCh37 (hg19) VCF-style: chr20-35547895-CA-C.
Other names: c.723del, p.Phe241fs (NM_001363729.2, NM_001363733.2); short protein forms F241fs.
Identifiers: ClinVar variation 5019124 (VCV005019124.2).

ClinVar aggregate classification (germline): Likely pathogenic (1 of 4 stars; one submission).

Conditions:
Aicardi-Goutieres syndrome 5. Identifiers: Orphanet 51, MedGen C2749659, MONDO:0013059, OMIM 612952.

Submission:

Juno Genomics, Hangzhou Juno Genomics, Inc
Classification: Likely pathogenic for Aicardi-Goutieres syndrome 5. Review status: criteria provided, single submitter. Criteria: ACMG Guidelines, 2015. Collection method: clinical testing. Allele origin: germline.
Comment: Absent from controls (or at extremely low frequency if recessive) in Genome Aggregation Database.;Null variant in a gene where loss of function (LOF) is a known mechanism of disease.